The following is an entry in ClinVar:

NM_005876.5(SPEG):c.8209C>A (p.His2737Asn)

Genes: ASIC4-AS1 (ASIC4 antisense RNA 1; minus strand), SPEG (striated muscle enriched protein kinase; plus strand). Cytogenetic location: 2q35.
Variant type: single nucleotide variant.
Coding change: c.8209C>A on transcript NM_005876.5 (MANE Select); coding-DNA position 8209, C replaced by A.
Protein change: p.His2737Asn; replaces histidine 2737 with asparagine.
Molecular consequence: missense variant.
Genome position (GRCh38, 1-based): chr2:219,489,113, C>A. VCF-style: chr2-219489113-C-A. GRCh37 (hg19) VCF-style: chr2-220353835-C-A.
Other names: short protein forms H2737N.
Identifiers: ClinVar variation 1447696 (VCV001447696.6), dbSNP rs2125590127, ClinGen allele CA350708645.
Genomic context (GRCh38, chr2:219,489,113, plus strand): 5'-GGGGAGTCTGTGTGGCACCCTGTGAGCTCAGGCATCCCCGACTGTTACTACAACGTGACC[C>A]ACCTGCCAGTTGGCGTGACTGTGAGGTTCCGTGTGGCCTGTGCCAACCGTGCTGGGCAGG-3'
Protein context (NP_005867.3, residues 2727-2747): GIPDCYYNVT[His2737Asn]LPVGVTVRFR

ClinVar aggregate classification (germline): Uncertain significance (1 of 4 stars; one submission).

Submission:

Labcorp Genetics (formerly Invitae), Labcorp
Classification: Uncertain significance. Last evaluated: 2021-11-17. Review status: criteria provided, single submitter. Criteria: Invitae Variant Classification Sherloc (09022015). Collection method: clinical testing. Allele origin: germline.
Comment: This sequence change replaces histidine, which is basic and polar, with asparagine, which is neutral and polar, at codon 2737 of the SPEG protein (p.His2737Asn). In summary, the available evidence is currently insufficient to determine the role of this variant in disease. Therefore, it has been classified as a Variant of Uncertain Significance. Algorithms developed to predict the effect of missense changes on protein structure and function (SIFT, PolyPhen-2, Align-GVGD) all suggest that this variant is likely to be tolerated. This variant has not been reported in the literature in individuals affected with SPEG-related conditions. This variant is not present in population databases (gnomAD no frequency).